The following is an entry in ClinVar:

ClinVar aggregate classification (germline): Uncertain significance (1 of 4 stars; one submission).

Conditions:
Epidermolysis bullosa simplex 5B, with muscular dystrophy (EBS5B). Also called: EPIDERMOLYSIS BULLOSA SIMPLEX AND LIMB-GIRDLE MUSCULAR DYSTROPHY; Epidermolysis bullosa simplex with muscular dystrophy. Identifiers: Orphanet 257, MedGen C2931072, MONDO:0009181, OMIM 226670.
Epidermolysis bullosa simplex 5C, with pyloric atresia (EBS5C). Also called: PLEC1-Related Epidermolysis Bullosa with Pyloric Atresia; PLEC-Related Epidermolysis Bullosa with Pyloric Atresia; Epidermolysis bullosa simplex with pyloric atresia. Identifiers: Orphanet 158684, MedGen C2677349, MONDO:0012807, OMIM 612138.
Epidermolysis bullosa simplex, Ogna type (EBS5A). Also called: Pidermolysis bullosa simplex 5A, Ogna type; EPIDERMOLYSIS BULLOSA SIMPLEX 5A, OGNA TYPE. Identifiers: Orphanet 79401, MedGen C0432317, MONDO:0007555, OMIM 131950.
Autosomal recessive limb-girdle muscular dystrophy type 2Q (LGMDR17). Also called: MUSCULAR DYSTROPHY, LIMB-GIRDLE, AUTOSOMAL RECESSIVE 17. Identifiers: Orphanet 254361, MedGen C3150989, MONDO:0013390, OMIM 613723.
Epidermolysis bullosa simplex with nail dystrophy (EBS5D). Identifiers: MedGen C4225309, MONDO:0014661, OMIM 616487.

Submission:

Labcorp Genetics (formerly Invitae), Labcorp
Classification: Uncertain significance for Autosomal recessive limb-girdle muscular dystrophy type 2Q; Epidermolysis bullosa simplex, Ogna type; Epidermolysis bullosa simplex with nail dystrophy; Epidermolysis bullosa simplex 5C, with pyloric atresia; Epidermolysis bullosa simplex 5B, with muscular dystrophy. Last evaluated: 2021-08-31. Review status: criteria provided, single submitter. Criteria: Invitae Variant Classification Sherloc (09022015). Collection method: clinical testing. Allele origin: germline.
Comment: This variant, c.7849_7851del, results in the deletion of 1 amino acid(s) of the PLEC protein (p.Glu2617del), but otherwise preserves the integrity of the reading frame. This variant is present in population databases (rs782142905, ExAC 0.02%). This variant has not been reported in the literature in individuals affected with PLEC-related conditions. Experimental studies and prediction algorithms are not available or were not evaluated, and the functional significance of this variant is currently unknown. In summary, the available evidence is currently insufficient to determine the role of this variant in disease. Therefore, it has been classified as a Variant of Uncertain Significance.

NM_201384.3(PLEC):c.7765GAG[1] (p.Glu2590del)

Gene: PLEC (plectin; minus strand). Cytogenetic location: 8q24.3.
Variant type: Microsatellite.
Coding change: c.7765GAG[1] on transcript NM_201384.3 (MANE Select); one copy of the 3-base unit GAG starting at c.7765; the reference has two copies in a row; one copy, 3 bases deleted.
Protein change: p.Glu2590del; deletes glutamic acid 2590.
Molecular consequence: inframe deletion.
Genome position (GRCh38, 1-based): chr8:143,922,051-143,922,053, CTC deleted on the plus strand (GAG on the coding strand, the reverse complement: PLEC is on the minus strand); deleting any 3 consecutive bases within chr8:143,922,051-143,922,056 gives the same sequence; the position shown is the placement nearest the transcript's 3' end. VCF-style (leftmost placement, unchanged base first): chr8-143922050-TCTC-T. GRCh37 (hg19) VCF-style: chr8-144996218-TCTC-T.
Other names: c.7846GAG[1], p.Glu2617del (NM_000445.5); c.7723GAG[1], p.Glu2576del (NM_201378.4); c.7699GAG[1], p.Glu2568del (NM_201379.3); c.8176GAG[1], p.Glu2727del (NM_201380.4); c.7669GAG[1], p.Glu2558del (NM_201381.3); c.7765GAG[1], p.Glu2590del (NM_201382.4); c.7777GAG[1], p.Glu2594del (NM_201383.3); short protein forms E2590del, E2558del, E2568del, E2617del, E2727del, E2594del, E2576del.
Identifiers: ClinVar variation 1493470 (VCV001493470.5), dbSNP rs782142905, ClinGen allele CA4925522.